The following is an entry in ClinVar:

ClinVar aggregate classification (germline): Uncertain significance (1 of 4 stars; one submission).

Submission:

Labcorp Genetics (formerly Invitae), Labcorp
Classification: Uncertain significance. Last evaluated: 2015-12-08. Review status: criteria provided, single submitter. Criteria: Invitae Variant Classification Sherloc (09022015). Collection method: clinical testing. Allele origin: germline.
Comment: This sequence change falls in intron 43 of the SZT2 mRNA. It does not directly change the encoded amino acid sequence of the SZT2 protein. This variant is not present in population databases (ExAC no frequency) and has not been reported in the literature in individuals with a SZT2-related disease. Algorithms developed to predict the effect of intronic changes on mRNA splicing suggest that this variant may alter mRNA splicing, but this prediction has not been confirmed by published transcriptional studies. In summary, this is a novel intronic change with uncertain impact on splicing. It has been classified as a Variant of Uncertain Significance.

NM_001365999.1(SZT2):c.6290+3A>T

Gene: SZT2 (SZT2 subunit of KICSTOR complex; plus strand). Cytogenetic location: 1p34.2.
Variant type: single nucleotide variant.
Coding change: c.6290+3A>T on transcript NM_001365999.1 (MANE Select); 3 bases into the intron after coding-DNA position 6290, A replaced by T.
Molecular consequence: intron variant.
Genome position (GRCh38, 1-based): chr1:43,437,511, A>T. VCF-style: chr1-43437511-A-T. GRCh37 (hg19) VCF-style: chr1-43903182-A-T.
Other names: c.6119+3A>T (NM_015284.4).
Identifiers: ClinVar variation 241035 (VCV000241035.8), dbSNP rs878855009, ClinGen allele CA10581797.